The following is an entry in ClinVar:

ClinVar aggregate classification (germline): Benign/Likely benign. Review status: criteria provided, multiple submitters, no conflicts (2 of 4 stars). 4 submissions from 4 submitters: Benign (1); Likely benign (3). Last evaluated 2025-11-20.

Conditions:
Hereditary cancer-predisposing syndrome. Also called: Hereditary Cancer Syndrome; Neoplastic Syndromes, Hereditary; Tumor predisposition; Hereditary neoplastic syndrome. Identifiers: Orphanet 140162, MedGen C0027672, MeSH D009386, MONDO:0015356.
Familial adenomatous polyposis 1 (FAP1). Also called: FAMILIAL ADENOMATOUS POLYPOSIS 1, ATTENUATED; POLYPOSIS, ADENOMATOUS INTESTINAL. Identifiers: MedGen C2713442, MONDO:0021056, OMIM 175100. Disease mechanism: loss of function.

Submissions (4):

Ambry Genetics
Classification: Likely benign for Hereditary cancer-predisposing syndrome. Last evaluated: 2025-11-20. Review status: criteria provided, single submitter. Criteria: Ambry Variant Classification Scheme 2023. Collection method: clinical testing. Allele origin: germline.

Labcorp Genetics (formerly Invitae), Labcorp
Classification: Likely benign for Familial adenomatous polyposis 1. Last evaluated: 2025-10-01. Review status: criteria provided, single submitter. Criteria: Invitae Variant Classification Sherloc (09022015). Collection method: clinical testing. Allele origin: germline.

Myriad Genetics, Inc.
Classification: Benign for Familial adenomatous polyposis 1. Last evaluated: 2024-03-14. Review status: criteria provided, single submitter. Criteria: Myriad Autosomal Dominant, Autosomal Recessive and X-Linked Classification Criteria (2023). Collection method: clinical testing. Allele origin: unknown.
Comment: This variant is considered benign. This variant is a silent/synonymous amino acid change and it is not expected to impact splicing.

GeneDx
Classification: Likely benign. Last evaluated: 2018-02-20. Review status: criteria provided, single submitter. Criteria: GeneDx Variant Classification (06012015). Collection method: clinical testing. Allele origin: germline. Affected: yes.
Comment: This variant is considered likely benign or benign based on one or more of the following criteria: it is a conservative change, it occurs at a poorly conserved position in the protein, it is predicted to be benign by multiple in silico algorithms, and/or has population frequency not consistent with disease.

NM_000038.6(APC):c.2640C>A (p.Ile880=)

Gene: APC (APC regulator of Wnt signaling pathway; plus strand). Cytogenetic location: 5q22.2.
Variant type: single nucleotide variant.
Coding change: c.2640C>A on transcript NM_000038.6 (MANE Select); coding-DNA position 2640, C replaced by A.
Protein change: p.Ile880=; no amino-acid change (isoleucine 880 retained).
Molecular consequence: synonymous variant.
Genome position (GRCh38, 1-based): chr5:112,838,234, C>A. VCF-style: chr5-112838234-C-A. GRCh37 (hg19) VCF-style: chr5-112173931-C-A.
Other names: c.2640C>A, p.Ile880= (NM_001127510.3, NM_001354895.2); c.2586C>A, p.Ile862= (NM_001127511.3); c.2694C>A, p.Ile898= (NM_001354896.2); c.2670C>A, p.Ile890= (NM_001354897.2); c.2565C>A, p.Ile855= (NM_001354898.2); c.2556C>A, p.Ile852= (NM_001354899.2); c.2517C>A, p.Ile839= (NM_001354900.2); c.2463C>A, p.Ile821= (NM_001354901.2); and 5 more.
Identifiers: ClinVar variation 515751 (VCV000515751.13), dbSNP rs200184105, ClinGen allele CA445962973.